The following is an entry in ClinVar:

NM_001371904.1(APOA5):c.223A>T (p.Arg75Trp)

Gene: APOA5 (apolipoprotein A5; minus strand). Cytogenetic location: 11q23.3.
Variant type: single nucleotide variant.
Coding change: c.223A>T on transcript NM_001371904.1 (MANE Select); coding-DNA position 223, A replaced by T.
Protein change: p.Arg75Trp; replaces arginine 75 with tryptophan.
Molecular consequence: missense variant.
Genome position (GRCh38, 1-based): chr11:116,791,006, T>A on the plus strand (A>T on the coding strand, the complement: APOA5 is on the minus strand). VCF-style: chr11-116791006-T-A. GRCh37 (hg19) VCF-style: chr11-116661722-T-A.
Other names: c.223A>T, p.Arg75Trp (NM_001166598.2, NM_052968.5); short protein forms R75W.
Identifiers: ClinVar variation 5026496 (VCV005026496.1).

ClinVar aggregate classification (germline): Uncertain significance (1 of 4 stars; one submission).

Conditions:
Cardiovascular phenotype. Identifiers: MedGen CN230736.

Submission:

Ambry Genetics
Classification: Uncertain significance for Cardiovascular phenotype. Last evaluated: 2026-07-04. Review status: criteria provided, single submitter. Criteria: Ambry Variant Classification Scheme 2023. Collection method: clinical testing. Allele origin: germline.
Comment: The p.R75W variant (also known as c.223A>T), located in coding exon 3 of the APOA5 gene, results from an A to T substitution at nucleotide position 223. The arginine at codon 75 is replaced by tryptophan, an amino acid with dissimilar properties. This amino acid position is conserved. In addition, this alteration is predicted to be tolerated by in silico analysis. Based on the available evidence, the clinical significance of this variant remains unclear.